The following is an entry in ClinVar:

NM_032119.4(ADGRV1):c.11940G>T (p.Gln3980His)

Gene: ADGRV1 (adhesion G protein-coupled receptor V1; plus strand). Cytogenetic location: 5q14.3.
Variant type: single nucleotide variant.
Coding change: c.11940G>T on transcript NM_032119.4 (MANE Select); coding-DNA position 11940, G replaced by T.
Protein change: p.Gln3980His; replaces glutamine 3980 with histidine.
Molecular consequence: missense variant. On other transcripts: non-coding transcript variant (1).
Genome position (GRCh38, 1-based): chr5:90,757,161, G>T. VCF-style: chr5-90757161-G-T. GRCh37 (hg19) VCF-style: chr5-90052978-G-T.
Other names: short protein forms Q3980H.
Identifiers: ClinVar variation 597103 (VCV000597103.7), dbSNP rs1301164004, ClinGen allele CA360372142.

ClinVar aggregate classification (germline): Uncertain significance. Review status: criteria provided, multiple submitters, no conflicts (2 of 4 stars). 3 submissions from 3 submitters: Uncertain significance (3). Last evaluated 2025-09-18.

Allele frequency attached by ClinVar (database versions not stated): TOPMed 0.00001; gnomAD exomes 0.00002.
gnomAD v4.1: 22 of 1,613,264 alleles (0.0014%); highest among the groups gnomAD compares: Non-Finnish European, 0.0019%; no homozygotes.

Submissions (3):

Women's Health and Genetics/Laboratory Corporation of America, LabCorp
Classification: Uncertain significance. Last evaluated: 2025-09-18. Review status: criteria provided, single submitter. Criteria: LabCorp Variant Classification Summary - May 2015. Collection method: clinical testing. Allele origin: germline.
Comment: Variant summary: ADGRV1 c.11940G>T (p.Gln3980His) results in a non-conservative amino acid change in the encoded protein sequence. Algorithms developed to predict the effect of missense changes on protein structure and function are either unavailable or do not agree on the potential impact of this missense change. Several computational tools predict a significant impact on normal splicing: Two predict the variant abolishes a canonial 5' splicing donor site. Two predict the variant weakens a canonial 5' donor site. However, these predictions have yet to be confirmed by functional studies. The frequency data for this variant in gnomAD is considered unreliable, as metrics indicate poor data quality at this position. To our knowledge, no occurrence of c.11940G>T in individuals affected with ADGRV1-related conditions and no experimental evidence demonstrating its impact on protein function have been reported. ClinVar contains an entry for this variant (Variation ID: 597103). Based on the evidence outlined above, the variant was classified as uncertain significance.

Labcorp Genetics (formerly Invitae), Labcorp
Classification: Uncertain significance. Last evaluated: 2022-05-14. Review status: criteria provided, single submitter. Criteria: Invitae Variant Classification Sherloc (09022015). Collection method: clinical testing. Allele origin: germline.
Comment: This sequence change replaces glutamine, which is neutral and polar, with histidine, which is basic and polar, at codon 3980 of the ADGRV1 protein (p.Gln3980His). This variant also falls at the last nucleotide of exon 57, which is part of the consensus splice site for this exon. This variant is not present in population databases (gnomAD no frequency). This variant has not been reported in the literature in individuals affected with ADGRV1-related conditions. ClinVar contains an entry for this variant (Variation ID: 597103). Algorithms developed to predict the effect of missense changes on protein structure and function are either unavailable or do not agree on the potential impact of this missense change (SIFT: "Deleterious"; PolyPhen-2: "Probably Damaging"; Align-GVGD: "Class C0"). Variants that disrupt the consensus splice site are a relatively common cause of aberrant splicing (PMID: 17576681, 9536098). Algorithms developed to predict the effect of sequence changes on RNA splicing suggest that this variant may disrupt the consensus splice site. In summary, the available evidence is currently insufficient to determine the role of this variant in disease. Therefore, it has been classified as a Variant of Uncertain Significance.

Eurofins Ntd Llc (ga)
Classification: Uncertain significance. Last evaluated: 2018-05-22. Review status: criteria provided, single submitter. Criteria: EGL ClinVar v180209 classification definitions. Collection method: clinical testing. Allele origin: germline. Observed: 1 variant allele, 1 heterozygote.

Literature cited by the submitters: PubMed 17576681 (cited by Labcorp Genetics (formerly Invitae), Labcorp); PubMed 9536098 (cited by Labcorp Genetics (formerly Invitae), Labcorp).